The following is an entry in ClinVar:

NM_020693.4(DSCAML1):c.3760C>T (p.His1254Tyr)

Gene: DSCAML1 (DS cell adhesion molecule like 1; minus strand). Cytogenetic location: 11q23.3.
Variant type: single nucleotide variant.
Coding change: c.3760C>T on transcript NM_020693.4 (MANE Select); coding-DNA position 3760, C replaced by T.
Protein change: p.His1254Tyr; replaces histidine 1254 with tyrosine.
Molecular consequence: missense variant.
Genome position (GRCh38, 1-based): chr11:117,443,988, G>A on the plus strand (C>T on the coding strand, the complement: DSCAML1 is on the minus strand). VCF-style: chr11-117443988-G-A. GRCh37 (hg19) VCF-style: chr11-117314704-G-A.
Other names: short protein forms H1254Y.
Identifiers: ClinVar variation 2003888 (VCV002003888.4), dbSNP rs1463960452, ClinGen allele CA382762009.

ClinVar aggregate classification (germline): Uncertain significance (1 of 4 stars; one submission).

Allele frequency attached by ClinVar (database versions not stated): gnomAD exomes below 0.00001; gnomAD 0.00001.
gnomAD v4.1: 2 of 1,613,860 alleles (0.00012%); highest among the groups gnomAD compares: African/African-American, 0.0027%; no homozygotes.

Submission:

Labcorp Genetics (formerly Invitae), Labcorp
Classification: Uncertain significance. Last evaluated: 2022-10-04. Review status: criteria provided, single submitter. Criteria: Invitae Variant Classification Sherloc (09022015). Collection method: clinical testing. Allele origin: germline.
Comment: Algorithms developed to predict the effect of missense changes on protein structure and function (SIFT, PolyPhen-2, Align-GVGD) all suggest that this variant is likely to be disruptive. This variant has not been reported in the literature in individuals affected with DSCAML1-related conditions. This variant is present in population databases (no rsID available, gnomAD 0.01%). This sequence change replaces histidine, which is basic and polar, with tyrosine, which is neutral and polar, at codon 1314 of the DSCAML1 protein (p.His1314Tyr). In summary, the available evidence is currently insufficient to determine the role of this variant in disease. Therefore, it has been classified as a Variant of Uncertain Significance.